The following is an entry in ClinVar:

ClinVar aggregate classification (germline): Pathogenic (1 of 4 stars; one submission).

Conditions:
Neuropathy, hereditary sensory and autonomic, type 2A (HSAN2A). Also called: HSAN IIA; ACROOSTEOLYSIS, GIACCAI TYPE; ACROOSTEOLYSIS, NEUROGENIC; MORVAN DISEASE; NEUROPATHY, CONGENITAL SENSORY; NEUROPATHY, HEREDITARY SENSORY RADICULAR, AUTOSOMAL RECESSIVE. Identifiers: Orphanet 970, MedGen C2752089, MONDO:0024309, OMIM 201300.
Generalized epilepsy with febrile seizures plus, type 7 (GEFSP7). Also called: GEFS+, TYPE 7. Identifiers: Orphanet 36387, MedGen C2751778, MONDO:0013470, OMIM 613863.

Submission:

Labcorp Genetics (formerly Invitae), Labcorp
Classification: Pathogenic for Neuropathy, hereditary sensory and autonomic, type 2A; Generalized epilepsy with febrile seizures plus, type 7. Last evaluated: 2018-10-05. Review status: criteria provided, single submitter. Criteria: Invitae Variant Classification Sherloc (09022015). Collection method: clinical testing. Allele origin: germline.
Comment: This sequence change creates a premature translational stop signal (p.Phe254Leufs*20) in the SCN9A gene. It is expected to result in an absent or disrupted protein product. This variant is not present in population databases (ExAC no frequency). This variant has not been reported in the literature in individuals with SCN9A-related disease. Loss-of-function variants in SCN9A are known to be pathogenic (PMID: 17470132, 19304393). For these reasons, this variant has been classified as Pathogenic.

Literature cited by the submitters: PubMed 17470132; PubMed 19304393.

NM_001365536.1(SCN9A):c.759_760del (p.Phe254fs)

Gene: SCN9A (sodium voltage-gated channel alpha subunit 9; minus strand). Cytogenetic location: 2q24.3.
Variant type: Microsatellite.
Coding change: c.759_760del on transcript NM_001365536.1 (MANE Select); coding-DNA positions 759 to 760, 2 bases deleted (GT; older notation c.759_760delGT).
Protein change: p.Phe254fs; shifts the reading frame from phenylalanine 254.
Molecular consequence: frameshift variant.
Genome position (GRCh38, 1-based): chr2:166,303,231-166,303,232, AC deleted on the plus strand (GT on the coding strand, the reverse complement: SCN9A is on the minus strand); deleting any 2 consecutive bases within chr2:166,303,231-166,303,235 gives the same sequence; the c. name uses the placement nearest the transcript's 3' end. VCF-style (leftmost placement, unchanged base first): chr2-166303230-AAC-A. GRCh37 (hg19) VCF-style: chr2-167159740-AAC-A.
Other names: c.759_760delGT (NM_002977.3); c.756_757TG[1], p.Phe254Leufs (NM_002977.4); short protein forms F254fs.
Identifiers: ClinVar variation 570466 (VCV000570466.3), dbSNP rs1559027674, ClinGen allele CA891842495.